The following is an entry in ClinVar:

NM_000540.3(RYR1):c.637G>T (p.Val213Leu)

Gene: RYR1 (ryanodine receptor 1; plus strand). Cytogenetic location: 19q13.2.
Variant type: single nucleotide variant.
Coding change: c.637G>T on transcript NM_000540.3 (MANE Select); coding-DNA position 637, G replaced by T.
Protein change: p.Val213Leu; replaces valine 213 with leucine.
Molecular consequence: missense variant.
Genome position (GRCh38, 1-based): chr19:38,446,477, G>T. VCF-style: chr19-38446477-G-T. GRCh37 (hg19) VCF-style: chr19-38937117-G-T.
Other names: c.637G>T, p.Val213Leu (NM_001042723.2); short protein forms V213L.
Identifiers: ClinVar variation 3387629 (VCV003387629.2).
Genomic context (GRCh38, chr19:38,446,477, plus strand): 5'-TGGTCTTCCTGGGGCTCCAGCCTCCCATTGACCAACTTCCCTTGCTCCTCTCCAGGCTTC[G>T]TGACGGGAGGTCACGTCCTCCGCCTCTTTCATGGACATATGGATGAGTGTCTGACCATTT-3'
Protein context (NP_000531.2, residues 203-223): PICSRCEEGF[Val213Leu]TGGHVLRLFH

ClinVar aggregate classification (germline): Uncertain significance. Review status: criteria provided, multiple submitters, no conflicts (2 of 4 stars). 2 submissions from 2 submitters: Uncertain significance (2). Last evaluated 2025-05-20.

Conditions:
Malignant hyperthermia, susceptibility to, 1 (MHS1). Also called: Anesthesia related hyperthermia; Malignant hyperpyrexia; Fulminating hyperpyrexia; Pharmacogenic myopathy; RYR1-Related Malignant Hyperthermia Susceptibility; Malignant hyperthermia suceptibility 1. Identifiers: Orphanet 423, MedGen C2930980, MONDO:0007783, OMIM 145600.

gnomAD v4.1: 2 of 1,613,828 alleles (0.00012%); highest among the groups gnomAD compares: Non-Finnish European, 0.00017%; no homozygotes.

Submissions (2):

Color Diagnostics, LLC DBA Color Health
Classification: Uncertain significance for Malignant hyperthermia, susceptibility to, 1. Last evaluated: 2025-05-20. Review status: criteria provided, single submitter. Criteria: ACMG Guidelines, 2015. Collection method: clinical testing. Allele origin: germline.
Comment: This missense variant replaces valine with leucine at codon 213 of the RYR1 protein. Computational prediction suggests that this variant may not impact protein structure and function. To our knowledge, functional studies have not been reported for this variant. This variant has not been reported in individuals affected with RYR1-related disorders in the literature. This variant has not been identified in the general population by the Genome Aggregation Database (gnomAD). The available evidence is insufficient to determine the role of this variant in disease conclusively. Therefore, this variant is classified as a Variant of Uncertain Significance.

All of Us Research Program, National Institutes of Health
Classification: Uncertain significance for Malignant hyperthermia, susceptibility to, 1. Last evaluated: 2024-09-23. Review status: criteria provided, single submitter. Criteria: ACMG Guidelines, 2015. Collection method: clinical testing. Allele origin: germline. Inheritance: Autosomal dominant inheritance. Observed: 1 variant allele, 1 heterozygote.
Comment: This study involves interpretation of variants in research participants for the purpose of population health screening. Participant phenotype was not available at the time of variant classification. Additional details can be found in publication PMID: 35346344, PMCID: PMC8962531